The following is an entry in ClinVar:

ClinVar aggregate classification (germline): Uncertain significance (1 of 4 stars; one submission).

Submission:

Labcorp Genetics (formerly Invitae), Labcorp
Classification: Uncertain significance. Last evaluated: 2022-08-24. Review status: criteria provided, single submitter. Criteria: Invitae Variant Classification Sherloc (09022015). Collection method: clinical testing. Allele origin: germline.
Comment: In summary, the available evidence is currently insufficient to determine the role of this variant in disease. Therefore, it has been classified as a Variant of Uncertain Significance. Algorithms developed to predict the effect of missense changes on protein structure and function are either unavailable or do not agree on the potential impact of this missense change (SIFT: "Deleterious"; PolyPhen-2: "Probably Damaging"; Align-GVGD: "Class C15"). This variant has not been reported in the literature in individuals affected with A2ML1-related conditions. This variant is not present in population databases (gnomAD no frequency). This sequence change replaces serine, which is neutral and polar, with tryptophan, which is neutral and slightly polar, at codon 526 of the A2ML1 protein (p.Ser526Trp).

NM_144670.6(A2ML1):c.1577C>G (p.Ser526Trp)

Gene: A2ML1 (alpha-2-macroglobulin like 1; plus strand). Cytogenetic location: 12p13.31.
Variant type: single nucleotide variant.
Coding change: c.1577C>G on transcript NM_144670.6 (MANE Select); coding-DNA position 1577, C replaced by G.
Protein change: p.Ser526Trp; replaces serine 526 with tryptophan.
Molecular consequence: missense variant.
Genome position (GRCh38, 1-based): chr12:8,846,116, C>G. VCF-style: chr12-8846116-C-G. GRCh37 (hg19) VCF-style: chr12-8998712-C-G.
Other names: c.104C>G, p.Ser35Trp (NM_001282424.3); short protein forms S35W, S526W.
Identifiers: ClinVar variation 1717964 (VCV001717964.5), dbSNP rs1160627568, ClinGen allele CA383827261.